The following is an entry in ClinVar:

ClinVar aggregate classification (germline): Uncertain significance (1 of 4 stars; one submission).

Allele frequency attached by ClinVar (database versions not stated): 1000 Genomes Project 30x 0.00016; 1000 Genomes Project 0.00020.
gnomAD v4.1: 1 of 1,614,062 alleles (0.000062%); no homozygotes.

Submission:

GeneDx
Classification: Uncertain significance. Last evaluated: 2022-07-20. Review status: criteria provided, single submitter. Criteria: GeneDx Variant Classification Process June 2021. Collection method: clinical testing. Allele origin: germline. Affected: yes.
Comment: In silico analysis supports that this missense variant does not alter protein structure/function; Has not been previously published as pathogenic or benign to our knowledge

NM_000827.4(GRIA1):c.742G>T (p.Ala248Ser)

Gene: GRIA1 (glutamate ionotropic receptor AMPA type subunit 1; plus strand). Cytogenetic location: 5q33.2.
Variant type: single nucleotide variant.
Coding change: c.742G>T on transcript NM_000827.4 (MANE Select); coding-DNA position 742, G replaced by T.
Protein change: p.Ala248Ser; replaces alanine 248 with serine.
Molecular consequence: missense variant. On other transcripts: non-coding transcript variant (2).
Genome position (GRCh38, 1-based): chr5:153,674,542, G>T. VCF-style: chr5-153674542-G-T. GRCh37 (hg19) VCF-style: chr5-153054102-G-T.
Other names: c.742G>T, p.Ala248Ser (NM_001114183.2, NM_001364165.2); c.502G>T, p.Ala168Ser (NM_001258019.2); c.457G>T, p.Ala153Ser (NM_001258020.2); c.772G>T, p.Ala258Ser (NM_001258021.2, NM_001258022.2); c.535G>T, p.Ala179Ser (NM_001258023.1, NM_001364167.2); c.769G>T, p.Ala257Ser (NM_001364166.2); short protein forms A179S, A248S, A153S, A257S, A168S, A258S.
Identifiers: ClinVar variation 2136237 (VCV002136237.1), dbSNP rs201229312, ClinGen allele CA3524409.